The following is an entry in ClinVar:

ClinVar aggregate classification (germline): Conflicting classifications of pathogenicity. Review status: criteria provided, conflicting classifications (1 of 4 stars). 6 submissions from 6 submitters: Uncertain significance (3); Likely benign (3). Last evaluated 2026-01-21.

Conditions:
Inborn genetic diseases. Identifiers: MedGen C0950123, MeSH D030342.
Hypogonadotropic hypogonadism 5 with or without anosmia (KAL5). Also called: HYPOGONADOTROPIC HYPOGONADISM 5 WITH ANOSMIA; HYPOGONADOTROPHIC HYPOGONADISM 5 WITHOUT ANOSMIA; CHD7-Related GnRH Deficiency (Kallmann Syndrome 5). Identifiers: Orphanet 478, MedGen C3552553, MONDO:0012880, OMIM 612370. Disease mechanism: loss of function.
CHARGE syndrome (CHARGE). Also called: CHARGE ASSOCIATION--COLOBOMA, HEART ANOMALY, CHOANAL ATRESIA, RETARDATION, GENITAL AND EAR ANOMALIES; Coloboma, heart anomaly, choanal atresia, retardation, genital and ear anomalies; CHARGE association; Hall-Hittner syndrome; Hittner Hirsch Kreh syndrome. Identifiers: Orphanet 138, MedGen C0265354, MONDO:0008965.

Allele frequency attached by ClinVar (database versions not stated): gnomAD exomes 0.00002 and 0.00003; ExAC 0.00003; gnomAD 0.00001; TOPMed 0.00001.
gnomAD v4.1: 30 of 1,613,596 alleles (0.0019%); highest among the groups gnomAD compares: Non-Finnish European, 0.0023%; no homozygotes.

Submissions (6):

Labcorp Genetics (formerly Invitae), Labcorp
Classification: Likely benign for CHARGE syndrome. Last evaluated: 2026-01-21. Review status: criteria provided, single submitter. Criteria: Invitae Variant Classification Sherloc (09022015). Collection method: clinical testing. Allele origin: germline.

Ambry Genetics
Classification: Likely benign for Inborn genetic diseases. Last evaluated: 2025-01-10. Review status: criteria provided, single submitter. Criteria: Ambry Variant Classification Scheme 2023. Collection method: clinical testing. Allele origin: germline.

CeGaT Center for Human Genetics Tuebingen
Classification: Likely benign. Last evaluated: 2024-03-01. Review status: criteria provided, single submitter. Criteria: CeGaT Center For Human Genetics Tuebingen Variant Classification Criteria Version 2. Collection method: clinical testing. Allele origin: germline. Affected: yes. Observed: 1 variant allele.
Comment: CHD7: BP1

Fulgent Genetics
Classification: Uncertain significance for CHD7-related CHARGE syndrome; Hypogonadotropic hypogonadism 5 with or without anosmia. Last evaluated: 2021-08-12. Review status: criteria provided, single submitter. Criteria: ACMG Guidelines, 2015. Collection method: clinical testing. Allele origin: unknown.

Laboratory for Molecular Medicine, Mass General Brigham Personalized Medicine
Classification: Uncertain significance. Last evaluated: 2020-06-12. Review status: criteria provided, single submitter. Criteria: LMM Criteria. Collection method: clinical testing. Allele origin: germline. Observed: 2 variant alleles.
Comment: The p.Pro548Leu variant in CHD7 has not been previously reported in individuals with hearing loss, CHARGE syndrome, or Kallmann syndrome, but has been identified in 0.006% (7/111384) of European chromosomes by gnomAD. It has also been reported in ClinVar as a variant of uncertain significance (Variation ID 909565). Computational prediction tools and conservation analyses do not provide strong support for or against an impact to the protein. In summary, the clinical significance of this variant is uncertain. ACMG/AMP Criteria applied: PM2_Supporting.

Illumina Laboratory Services, Illumina
Classification: Uncertain significance for Kallmann Syndrome 5. Last evaluated: 2018-01-13. Review status: criteria provided, single submitter. Criteria: ICSL Variant Classification Criteria 13 December 2019. Collection method: clinical testing. Allele origin: germline.

NM_017780.4(CHD7):c.1643C>T (p.Pro548Leu)

Gene: CHD7 (chromodomain helicase DNA binding protein 7; plus strand). Cytogenetic location: 8q12.2.
Variant type: single nucleotide variant.
Coding change: c.1643C>T on transcript NM_017780.4 (MANE Select); coding-DNA position 1643, C replaced by T.
Protein change: p.Pro548Leu; replaces proline 548 with leucine.
Molecular consequence: missense variant.
Genome position (GRCh38, 1-based): chr8:60,743,075, C>T. VCF-style: chr8-60743075-C-T. GRCh37 (hg19) VCF-style: chr8-61655634-C-T.
Other names: c.1643C>T, p.Pro548Leu (NM_001316690.1); short protein forms P548L.
Identifiers: ClinVar variation 909565 (VCV000909565.38), dbSNP rs778361949, ClinGen allele CA4759524.